The following is an entry in ClinVar:

ClinVar aggregate classification (germline): Conflicting classifications of pathogenicity. Review status: criteria provided, conflicting classifications (1 of 4 stars). 17 submissions from 17 submitters: Uncertain significance (1); Benign (5); Likely benign (7). 4 of the submissions do not count toward it. Last evaluated 2026-01-12.

Conditions:
TSC1-related disorder. Also called: TSC1-related condition.
Hereditary cancer-predisposing syndrome. Also called: Hereditary Cancer Syndrome; Neoplastic Syndromes, Hereditary; Hereditary neoplastic syndrome; Tumor predisposition. Identifiers: Orphanet 140162, MedGen C0027672, MeSH D009386, MONDO:0015356.
Tuberous sclerosis syndrome (TSC). Also called: Tuberous Sclerosis Complex; Tuberous sclerosis. Identifiers: Orphanet 805, MedGen C0041341, MONDO:0001734.
Tuberous sclerosis 1 (TSC1). Identifiers: Orphanet 805, MedGen C1854465, MONDO:0008612, OMIM 191100.

Allele frequency attached by ClinVar (database versions not stated): gnomAD 0.00002 and 0.00003; gnomAD exomes 0.00004 and 0.00006; TOPMed 0.00005; ExAC 0.00006.
gnomAD v4.1: 95 of 1,614,070 alleles (0.0059%); highest among the groups gnomAD compares: Non-Finnish European, 0.0067%; no homozygotes.

Submissions (17):

PreventionGenetics, part of Exact Sciences
Classification: Likely benign for TSC1-related condition. Last evaluated: 2026-01-12. Review status: criteria provided, single submitter. Criteria: ACMG Guidelines, 2015. Collection method: clinical testing. Allele origin: germline.
Comment: This variant is classified as likely benign based on ACMG/AMP sequence variant interpretation guidelines (Richards et al. 2015 PMID: 25741868, with internal and published modifications).

Labcorp Genetics (formerly Invitae), Labcorp
Classification: Benign for Tuberous sclerosis 1. Last evaluated: 2025-12-30. Review status: criteria provided, single submitter. Criteria: Invitae Variant Classification Sherloc (09022015). Collection method: clinical testing. Allele origin: germline.

Dasa
Classification: Likely benign. Last evaluated: 2025-11-07. Review status: criteria provided, single submitter. Criteria: DASA Assertion Criteria. Collection method: clinical testing. Allele origin: germline.
Comment: NM_000368.5(TSC1):c.568C>T (p.Arg190Cys) is a missense variant that results in the substitution of arginine with cysteine. Functional evidence is consistent with no deleterious impact on the gene or gene product. Therefore, based on the currently available evidence, this variant is classified as likely benign.

Myriad Genetics, Inc.
Classification: Benign for Tuberous sclerosis 1. Last evaluated: 2025-04-08. Review status: criteria provided, single submitter. Criteria: Myriad Autosomal Dominant, Autosomal Recessive and X-Linked Classification Criteria (2023). Collection method: clinical testing. Allele origin: unknown.
Comment: This variant is considered benign. This variant has been observed at a population frequency that is significantly greater than expected given the associated disease prevalence and penetrance. Homozygosity has been confirmed in one or more individuals. As homozygosity for pathogenic variants in this gene is generally assumed to result in embryonic lethality, this variant is unlikely to be pathogenic.

All of Us Research Program, National Institutes of Health
Classification: Likely benign for Tuberous sclerosis syndrome. Last evaluated: 2024-02-05. Review status: criteria provided, single submitter. Criteria: ACMG Guidelines, 2015. Collection method: clinical testing. Allele origin: germline. Inheritance: Autosomal dominant inheritance. Observed: 10 variant alleles, 10 heterozygotes.
Comment: This study involves interpretation of variants in research participants for the purpose of population health screening. Participant phenotype was not available at the time of variant classification. Additional details can be found in publication PMID: 35346344, PMCID: PMC8962531

Blueprint Genetics
Classification: Likely benign. Last evaluated: 2023-06-12. Review status: criteria provided, single submitter. Criteria: ACMG Guidelines, 2015. Collection method: clinical testing. Allele origin: germline.

Color Diagnostics, LLC DBA Color Health
Classification: Likely benign for Tuberous sclerosis syndrome. Last evaluated: 2022-05-19. Review status: criteria provided, single submitter. Criteria: ACMG Guidelines, 2015. Collection method: clinical testing. Allele origin: germline.

Genome-Nilou Lab
Classification: Benign for Tuberous sclerosis 1. Last evaluated: 2021-11-07. Review status: criteria provided, single submitter. Criteria: ACMG Guidelines, 2015. Collection method: clinical testing. Allele origin: germline. Affected: no.

Institute for Clinical Genetics, University Hospital TU Dresden, University Hospital TU Dresden
Classification: Uncertain significance. Last evaluated: 2021-11-03. Review status: criteria provided, single submitter. Criteria: ACMG Guidelines, 2015. Collection method: clinical testing. Allele origin: germline.

Sema4
Classification: Likely benign for Hereditary cancer-predisposing syndrome. Last evaluated: 2021-02-11. Review status: criteria provided, single submitter. Criteria: Sema4 Curation Guidelines. Collection method: curation. Allele origin: germline.

Ambry Genetics
Classification: Likely benign for Hereditary cancer-predisposing syndrome. Last evaluated: 2019-05-04. Review status: criteria provided, single submitter. Criteria: Ambry Variant Classification Scheme 2023. Collection method: clinical testing. Allele origin: germline.

GeneDx
Classification: Benign. Last evaluated: 2018-08-28. Review status: criteria provided, single submitter. Criteria: GeneDx Variant Classification Process June 2021. Collection method: clinical testing. Allele origin: germline. Affected: yes.
Comment: This variant is associated with the following publications: (PMID: 19747374, 21309039, 10227394, 23857276, 26517685)

Genomic Research Center, Shahid Beheshti University of Medical Sciences
Classification: Benign for Tuberous sclerosis 1. Last evaluated: 2017-12-18. Review status: criteria provided, single submitter. Criteria: ACMG Guidelines, 2015. Collection method: clinical testing. Allele origin: inherited.

Clinical Genetics DNA and cytogenetics Diagnostics Lab, Erasmus MC, Erasmus Medical Center
Classification: Benign. Review status: no assertion criteria provided. Collection method: clinical testing. Allele origin: germline. Affected: yes. Study: VKGL Data-share Consensus. Not counted in ClinVar's aggregate classification.

Clinical Genetics, Academic Medical Center
Classification: Likely benign. Review status: no assertion criteria provided. Collection method: clinical testing. Allele origin: germline. Affected: yes. Study: VKGL Data-share Consensus. Not counted in ClinVar's aggregate classification.

Joint Genome Diagnostic Labs from Nijmegen and Maastricht, Radboudumc and MUMC+
Classification: Likely benign. Review status: no assertion criteria provided. Collection method: clinical testing. Allele origin: germline. Affected: yes. Study: VKGL Data-share Consensus. Not counted in ClinVar's aggregate classification.

Tuberous sclerosis database (TSC1)
No classification provided. Condition: TSC. Review status: no classification provided. Criteria: Tuberous Sclerosis Database Assertion Criteria 2015. Collection method: curation. Allele origin: germline. Affected: yes. Not counted in ClinVar's aggregate classification.

Literature cited by the submitters: PubMed 23857276 (cited by Ambry Genetics).

NM_000368.5(TSC1):c.568C>T (p.Arg190Cys)

Gene: TSC1 (TSC complex subunit 1; minus strand). Cytogenetic location: 9q34.13.
Variant type: single nucleotide variant.
Coding change: c.568C>T on transcript NM_000368.5 (MANE Select); coding-DNA position 568, C replaced by T.
Protein change: p.Arg190Cys; replaces arginine 190 with cysteine.
Molecular consequence: missense variant.
Genome position (GRCh38, 1-based): chr9:132,921,914, G>A on the plus strand (C>T on the coding strand, the complement: TSC1 is on the minus strand). VCF-style: chr9-132921914-G-A. GRCh37 (hg19) VCF-style: chr9-135797301-G-A.
Other names: p.R190C:CGC>TGC; c.568C>T, p.Arg190Cys (NM_001162426.2); c.415C>T, p.Arg139Cys (NM_001162427.2); c.205C>T, p.Arg69Cys (NM_001362177.2); short protein forms R190C, R139C, R69C.
Identifiers: ClinVar variation 49057 (VCV000049057.39), dbSNP rs118203400, ClinGen allele CA007757.